The following is an entry in ClinVar:

ClinVar aggregate classification (germline): Uncertain significance. Review status: criteria provided, multiple submitters, no conflicts (2 of 4 stars). 5 submissions from 5 submitters: Uncertain significance (5). Last evaluated 2026-08-01.

Conditions:
Ciliary dyskinesia, primary, 37 (CILD37). Also called: CILIARY DYSKINESIA, PRIMARY, 37, WITH OR WITHOUT SITUS INVERSUS. Identifiers: MedGen C4539798, MONDO:0033204, OMIM 617577.
Spermatogenic failure 18. Identifiers: MedGen C4539783, MONDO:0054615, OMIM 617576.

Allele frequency attached by ClinVar (database versions not stated): gnomAD exomes 0.00004 and 0.00005; ExAC 0.00008; ESP Exome Variant Server 0.00008; gnomAD 0.00017 and 0.00019; TOPMed 0.00022.
gnomAD v4.1: 83 of 1,613,642 alleles (0.0051%); highest among the groups gnomAD compares: Middle Eastern, 0.099%; no homozygotes.

Submissions (5):

CeGaT Center for Human Genetics Tuebingen
Classification: Uncertain significance. Last evaluated: 2026-08-01. Review status: criteria provided, single submitter. Criteria: CeGaT Center For Human Genetics Tuebingen Variant Classification Criteria Version 2. Collection method: clinical testing. Allele origin: germline. Affected: yes. Observed: 1 variant allele.
Comment: DNAH1: PM2, BP4

GeneDx
Classification: Uncertain significance. Last evaluated: 2024-12-08. Review status: criteria provided, single submitter. Criteria: GeneDx Variant Classification Process June 2021. Collection method: clinical testing. Allele origin: germline. Affected: yes.
Comment: In silico analysis indicates that this missense variant does not alter protein structure/function; Has not been previously published in association with DNAH1-related primary ciliary dyskinesia to our knowledge; This variant is associated with the following publications: (PMID: 33057194, 35982159)

Labcorp Genetics (formerly Invitae), Labcorp
Classification: Uncertain significance for Ciliary dyskinesia, primary, 37; Spermatogenic failure 18. Last evaluated: 2022-06-08. Review status: criteria provided, single submitter. Criteria: Invitae Variant Classification Sherloc (09022015). Collection method: clinical testing. Allele origin: germline.
Comment: This sequence change replaces arginine, which is basic and polar, with histidine, which is basic and polar, at codon 3718 of the DNAH1 protein (p.Arg3718His). This variant is present in population databases (rs371451336, gnomAD 0.04%). This variant has not been reported in the literature in individuals affected with DNAH1-related conditions. ClinVar contains an entry for this variant (Variation ID: 1029553). Algorithms developed to predict the effect of missense changes on protein structure and function (SIFT, PolyPhen-2, Align-GVGD) all suggest that this variant is likely to be tolerated. In summary, the available evidence is currently insufficient to determine the role of this variant in disease. Therefore, it has been classified as a Variant of Uncertain Significance.

Baylor Genetics
Classification: Uncertain significance for Ciliary dyskinesia, primary, 37. Last evaluated: 2019-07-31. Review status: criteria provided, single submitter. Criteria: ACMG Guidelines, 2015. Collection method: clinical testing. Allele origin: unknown. Affected: yes.
Comment: This variant was determined to be of uncertain significance according to ACMG Guidelines, 2015 [PMID:25741868].

Breakthrough Genomics
Classification: Uncertain significance. Review status: criteria provided, single submitter. Criteria: ACMG Guidelines, 2015. Collection method: not provided. Allele origin: germline. Inheritance: Autosomal recessive inheritance. Affected: yes.

NM_015512.5(DNAH1):c.11153G>A (p.Arg3718His)

Gene: DNAH1 (dynein axonemal heavy chain 1; plus strand). Cytogenetic location: 3p21.1.
Variant type: single nucleotide variant.
Coding change: c.11153G>A on transcript NM_015512.5 (MANE Select); coding-DNA position 11153, G replaced by A.
Protein change: p.Arg3718His; replaces arginine 3718 with histidine.
Molecular consequence: missense variant.
Genome position (GRCh38, 1-based): chr3:52,395,572, G>A. VCF-style: chr3-52395572-G-A. GRCh37 (hg19) VCF-style: chr3-52429588-G-A.
Other names: short protein forms R3718H.
Identifiers: ClinVar variation 1029553 (VCV001029553.6), dbSNP rs371451336, ClinGen allele CA2436083.